The following is an entry in ClinVar:

ClinVar aggregate classification (germline): Uncertain significance (1 of 4 stars; one submission).

Submission:

GeneDx
Classification: Uncertain significance. Last evaluated: 2025-03-27. Review status: criteria provided, single submitter. Criteria: GeneDx Variant Classification Process June 2021. Collection method: clinical testing. Allele origin: germline. Affected: yes.
Comment: Not observed at significant frequency in large population cohorts (gnomAD); In silico analysis supports that this missense variant has a deleterious effect on protein structure/function; Has not been previously published as pathogenic or benign to our knowledge

NM_020738.4(KIDINS220):c.682A>T (p.Asn228Tyr)

Gene: KIDINS220 (kinase D interacting substrate 220; minus strand). Cytogenetic location: 2p25.1.
Variant type: single nucleotide variant.
Coding change: c.682A>T on transcript NM_020738.4 (MANE Select); coding-DNA position 682, A replaced by T.
Protein change: p.Asn228Tyr; replaces asparagine 228 with tyrosine.
Molecular consequence: missense variant. On other transcripts: non-coding transcript variant (2).
Genome position (GRCh38, 1-based): chr2:8,803,049, T>A on the plus strand (A>T on the coding strand, the complement: KIDINS220 is on the minus strand). VCF-style: chr2-8803049-T-A. GRCh37 (hg19) VCF-style: chr2-8943179-T-A.
Other names: c.685A>T, p.Asn229Tyr (NM_001348729.2, NM_001348731.2, NM_001348734.2 and 3 more transcripts); c.682A>T, p.Asn228Tyr (NM_001348732.2, NM_001348735.2, NM_001348738.2 and 3 more transcripts); c.556A>T, p.Asn186Tyr (NM_001348736.2); short protein forms N228Y, N186Y, N229Y.
Identifiers: ClinVar variation 4087990 (VCV004087990.1).
Genomic context (GRCh38, chr2:8,803,049, plus strand): 5'-GTCCCTCCTTTGATGCAATCATCAAAGCTGTATTTCCATCTTTATCTGTTAAGTTTACAT[T>A]TGGATTCCTCTTCAAAATTTCTTTTACTGACTGTGTGTAACCTCCTTTCACTGCCACAAT-3'
Protein context (NP_065789.1, residues 218-238): SVKEILKRNP[Asn228Tyr]VNLTDKDGNT